The following is an entry in ClinVar:

ClinVar aggregate classification (germline): Uncertain significance. Review status: criteria provided, multiple submitters, no conflicts (2 of 4 stars). 3 submissions from 3 submitters: Uncertain significance (3). Last evaluated 2025-11-17.

Conditions:
Cortical dysplasia-focal epilepsy syndrome (PTHSL1). Also called: Pitt-Hopkins-like syndrome 1. Identifiers: Orphanet 163681, Orphanet 221150, MedGen C2750246, MONDO:0012400, OMIM 610042.

Allele frequency attached by ClinVar (database versions not stated): gnomAD exomes 0.00001; TOPMed 0.00001; ExAC 0.00002; gnomAD 0.00002 and 0.00003; ESP Exome Variant Server 0.00015.
gnomAD v4.1: 25 of 1,613,566 alleles (0.0015%); highest among the groups gnomAD compares: South Asian, 0.0022%; no homozygotes.

Submissions (3):

Labcorp Genetics (formerly Invitae), Labcorp
Classification: Uncertain significance for Cortical dysplasia-focal epilepsy syndrome. Last evaluated: 2025-11-17. Review status: criteria provided, single submitter. Criteria: Invitae Variant Classification Sherloc (09022015). Collection method: clinical testing. Allele origin: germline.
Comment: This sequence change replaces threonine, which is neutral and polar, with methionine, which is neutral and non-polar, at codon 373 of the CNTNAP2 protein (p.Thr373Met). This variant is present in population databases (rs149576292, gnomAD 0.003%). This variant has not been reported in the literature in individuals affected with CNTNAP2-related conditions. ClinVar contains an entry for this variant (Variation ID: 943027). An algorithm developed to predict the effect of missense changes on protein structure and function (PolyPhen-2) suggests that this variant is likely to be tolerated. In summary, the available evidence is currently insufficient to determine the role of this variant in disease. Therefore, it has been classified as a Variant of Uncertain Significance.

Blueprint Genetics
Classification: Uncertain significance. Last evaluated: 2024-03-15. Review status: criteria provided, single submitter. Criteria: ACMG Guidelines, 2015. Collection method: clinical testing. Allele origin: germline.

CeGaT Center for Human Genetics Tuebingen
Classification: Uncertain significance. Last evaluated: 2024-03-01. Review status: criteria provided, single submitter. Criteria: CeGaT Center For Human Genetics Tuebingen Variant Classification Criteria Version 2. Collection method: clinical testing. Allele origin: germline. Affected: yes. Observed: 1 variant allele.

NM_014141.6(CNTNAP2):c.1118C>T (p.Thr373Met)

Gene: CNTNAP2 (contactin associated protein 2; plus strand). Cytogenetic location: 7q35.
Variant type: single nucleotide variant.
Coding change: c.1118C>T on transcript NM_014141.6 (MANE Select); coding-DNA position 1118, C replaced by T.
Protein change: p.Thr373Met; replaces threonine 373 with methionine.
Molecular consequence: missense variant.
Genome position (GRCh38, 1-based): chr7:147,132,279, C>T. VCF-style: chr7-147132279-C-T. GRCh37 (hg19) VCF-style: chr7-146829371-C-T.
Other names: short protein forms T373M.
Identifiers: ClinVar variation 943027 (VCV000943027.30), dbSNP rs149576292, ClinGen allele CA4545987.
Genomic context (GRCh38, chr7:147,132,279, plus strand): 5'-TCAGAGCCTGTCTTTCTATTTTACAGGGAAATTTGAGCTTTTCTTGTGTGGAACCCTATA[C>T]GGTGCCTGTCTTTTTCAACGCTACAAGTTACCTGGAGGTGCCCGGACGGCTTAACCAGGA-3'
Protein context (NP_054860.1, residues 363-383): NLSFSCVEPY[Thr373Met]VPVFFNATSY